The following is an entry in ClinVar:

ClinVar aggregate classification (germline): Uncertain significance. Review status: criteria provided, single submitter (1 of 4 stars). 2 submissions from 2 submitters: Uncertain significance (1). 1 of the submissions does not count toward it. Last evaluated 2020-10-22.

Conditions:
Fanconi anemia (FA). Also called: Fanconi's anemia. Identifiers: Orphanet 84, MedGen C0015625, MeSH D005199, MONDO:0019391.

Submissions (2):

Labcorp Genetics (formerly Invitae), Labcorp
Classification: Uncertain significance for Fanconi anemia. Last evaluated: 2020-10-22. Review status: criteria provided, single submitter. Criteria: Invitae Variant Classification Sherloc (09022015). Collection method: clinical testing. Allele origin: germline.
Comment: In summary, the available evidence is currently insufficient to determine the role of this variant in disease. Therefore, it has been classified as a Variant of Uncertain Significance. Algorithms developed to predict the effect of missense changes on protein structure and function are either unavailable or do not agree on the potential impact of this missense change (SIFT: "Deleterious"; PolyPhen-2: "Benign"; Align-GVGD: "Class C0"). This variant has not been reported in the literature in individuals with FANCA-related conditions. This variant is not present in population databases (ExAC no frequency). This sequence change replaces glutamic acid with aspartic acid at codon 1431 of the FANCA protein (p.Glu1431Asp). The glutamic acid residue is highly conserved and there is a small physicochemical difference between glutamic acid and aspartic acid.

Natera, Inc.
Classification: Uncertain significance for Fanconi anemia. Last evaluated: 2025-02-26. Review status: no assertion criteria provided. Collection method: clinical testing. Allele origin: germline. Not counted in ClinVar's aggregate classification.

NM_000135.4(FANCA):c.4293G>C (p.Glu1431Asp)

Genes: ZNF276 (zinc finger protein 276; plus strand), FANCA (FA complementation group A; minus strand). Cytogenetic location: 16q24.3.
Variant type: single nucleotide variant.
Coding change: c.4293G>C on transcript NM_000135.4 (MANE Select); coding-DNA position 4293, G replaced by C.
Protein change: p.Glu1431Asp; replaces glutamic acid 1431 with aspartic acid.
Molecular consequence: missense variant. On other transcripts: 3 prime UTR variant (3), non-coding transcript variant (4).
Genome position (GRCh38, 1-based): chr16:89,738,676, C>G on the plus strand (G>C on the coding strand, the complement: FANCA is on the minus strand). VCF-style: chr16-89738676-C-G. GRCh37 (hg19) VCF-style: chr16-89805084-C-G.
Other names: c.*22G>C (NM_001286167.3); c.*430C>G (NM_001113525.2, NM_152287.4); c.4293G>C (NM_000135.3); short protein forms E1431D.
Identifiers: ClinVar variation 1043818 (VCV001043818.9), dbSNP rs1235881790, ClinGen allele CA397483096.